The following is an entry in ClinVar:

ClinVar aggregate classification (germline): Uncertain significance (1 of 4 stars; one submission).

Allele frequency attached by ClinVar (database versions not stated): gnomAD exomes below 0.00001; gnomAD 0.00001.
gnomAD v4.1: 2 of 1,613,952 alleles (0.00012%); highest among the groups gnomAD compares: African/African-American, 0.0013%; no homozygotes.

Submission:

Ambry Genetics
Classification: Uncertain significance. Last evaluated: 2023-09-06. Review status: criteria provided, single submitter. Criteria: Ambry Variant Classification Scheme 2023. Collection method: clinical testing. Allele origin: germline.
Comment: The p.P634L variant (also known as c.1901C>T), located in coding exon 16 of the A2ML1 gene, results from a C to T substitution at nucleotide position 1901. The proline at codon 634 is replaced by leucine, an amino acid with similar properties. This amino acid position is conserved. In addition, this alteration is predicted to be tolerated by in silico analysis. Since supporting evidence is limited at this time, the clinical significance of this alteration remains unclear.

NM_144670.6(A2ML1):c.1901C>T (p.Pro634Leu)

Gene: A2ML1 (alpha-2-macroglobulin like 1; plus strand). Cytogenetic location: 12p13.31.
Variant type: single nucleotide variant.
Coding change: c.1901C>T on transcript NM_144670.6 (MANE Select); coding-DNA position 1901, C replaced by T.
Protein change: p.Pro634Leu; replaces proline 634 with leucine.
Molecular consequence: missense variant.
Genome position (GRCh38, 1-based): chr12:8,848,787, C>T. VCF-style: chr12-8848787-C-T. GRCh37 (hg19) VCF-style: chr12-9001383-C-T.
Other names: c.428C>T, p.Pro143Leu (NM_001282424.3); short protein forms P143L, P634L.
Identifiers: ClinVar variation 2626062 (VCV002626062.2), dbSNP rs1943789028, ClinGen allele CA383830435.